The following is an entry in ClinVar:

ClinVar aggregate classification (germline): Uncertain significance (1 of 4 stars; one submission).

Conditions:
Giant axonal neuropathy 1 (GAN1). Also called: GIANT AXONAL NEUROPATHY 1, AUTOSOMAL RECESSIVE; GAN-Related Neurodegeneration. Identifiers: Orphanet 643, MedGen C1850386, MONDO:0009749, OMIM 256850.

gnomAD v4.1: 2 of 1,614,006 alleles (0.00012%); highest among the groups gnomAD compares: Non-Finnish European, 0.00017%; no homozygotes.

Submission:

Labcorp Genetics (formerly Invitae), Labcorp
Classification: Uncertain significance for Giant axonal neuropathy 1. Last evaluated: 2017-05-08. Review status: criteria provided, single submitter. Criteria: Invitae Variant Classification Sherloc (09022015). Collection method: clinical testing. Allele origin: germline.
Comment: In summary, this variant is a novel missense change with uncertain impact on protein function. It has been classified as a Variant of Uncertain Significance. Different missense substitution at this codon (p.R545C,p.R545H) have been determined to be pathogenic (PMID: 11062483, 17587580, 12668605, 19295179). This suggests that the arginine residue is critical for GAN protein function and that other missense substitutions at this position may also be pathogenic. Algorithms developed to predict the effect of missense changes on protein structure and function do not agree on the potential impact of this missense change (SIFT: "Tolerated"; PolyPhen-2: "Probably Damaging"; Align-GVGD: "Class C0"). This variant is not present in population databases (ExAC no frequency) and has not been reported in the literature in individuals with a GAN-related disease. This sequence change replaces arginine with leucine at codon 545 of the GAN protein (p.Arg545Leu). The arginine residue is moderately conserved and there is a moderate physicochemical difference between arginine and leucine.

Literature cited by the submitters: PubMed 11062483; PubMed 17587580; PubMed 12668605; PubMed 19295179.

NM_022041.4(GAN):c.1634G>T (p.Arg545Leu)

Gene: GAN (gigaxonin; plus strand). Cytogenetic location: 16q23.2.
Variant type: single nucleotide variant.
Coding change: c.1634G>T on transcript NM_022041.4 (MANE Select); coding-DNA position 1634, G replaced by T.
Protein change: p.Arg545Leu; replaces arginine 545 with leucine.
Molecular consequence: missense variant.
Genome position (GRCh38, 1-based): chr16:81,377,436, G>T. VCF-style: chr16-81377436-G-T. GRCh37 (hg19) VCF-style: chr16-81411041-G-T.
Other names: c.995G>T, p.Arg332Leu (NM_001377486.1); short protein forms R545L, R332L.
Identifiers: ClinVar variation 465392 (VCV000465392.8), dbSNP rs746486469, ClinGen allele CA396892299.